The following is an entry in ClinVar:

NM_001364905.1(LRBA):c.6330+4697G>C

Genes: MAB21L2 (mab-21 like 2; plus strand), LRBA (LPS responsive beige-like anchor protein; minus strand). Cytogenetic location: 4q31.3.
Variant type: single nucleotide variant.
Coding change: c.6330+4697G>C on transcript NM_001364905.1 (MANE Select); 4697 bases into the intron after coding-DNA position 6330, G replaced by C.
Molecular consequence: intron variant. On other transcripts: missense variant (1).
Genome position (GRCh38, 1-based): chr4:150,583,351, C>G on the plus strand (G>C on the coding strand, the complement: LRBA is on the minus strand). VCF-style: chr4-150583351-C-G. GRCh37 (hg19) VCF-style: chr4-151504503-C-G.
Other names: c.322C>G, p.Arg108Gly (NM_006439.5); c.6330+4697G>C (NM_001367550.1, NM_001199282.3, NM_001440431.1); c.6363+4697G>C (NM_006726.5, NM_001440430.1); short protein forms R108G.
Identifiers: ClinVar variation 3368140 (VCV003368140.1).

ClinVar aggregate classification (germline): Uncertain significance (1 of 4 stars; one submission).

Submission:

GeneDx
Classification: Uncertain significance. Last evaluated: 2024-01-21. Review status: criteria provided, single submitter. Criteria: GeneDx Variant Classification Process June 2021. Collection method: clinical testing. Allele origin: germline. Affected: yes.
Comment: Not observed at significant frequency in large population cohorts (gnomAD); In silico analysis supports a deleterious effect on splicing; Has not been previously published as pathogenic or benign to our knowledge